The following is an entry in ClinVar:

ClinVar aggregate classification (germline): Likely benign (1 of 4 stars; one submission).

Allele frequency attached by ClinVar (database versions not stated): gnomAD exomes below 0.00001 and 0.00001; ExAC 0.00001; gnomAD 0.00001; TOPMed 0.00001.
gnomAD v4.1: 6 of 1,612,910 alleles (0.00037%); highest among the groups gnomAD compares: East Asian, 0.013%; no homozygotes.

Submission:

GeneDx
Classification: Likely benign. Last evaluated: 2016-05-24. Review status: criteria provided, single submitter. Criteria: GeneDx Variant Classification (06012015). Collection method: clinical testing. Allele origin: germline. Affected: yes.
Comment: This variant is considered likely benign or benign based on one or more of the following criteria: it is a conservative change, it occurs at a poorly conserved position in the protein, it is predicted to be benign by multiple in silico algorithms, and/or has population frequency not consistent with disease.

NM_022915.5(MRPL44):c.801G>A (p.Leu267=)

Gene: MRPL44 (mitochondrial ribosomal protein L44; plus strand). Cytogenetic location: 2q36.1.
Variant type: single nucleotide variant.
Coding change: c.801G>A on transcript NM_022915.5 (MANE Select); coding-DNA position 801, G replaced by A.
Protein change: p.Leu267=; no amino-acid change (leucine 267 retained).
Molecular consequence: synonymous variant.
Genome position (GRCh38, 1-based): chr2:223,963,908, G>A. VCF-style: chr2-223963908-G-A. GRCh37 (hg19) VCF-style: chr2-224828625-G-A.
Identifiers: ClinVar variation 386088 (VCV000386088.1), dbSNP rs775681684, ClinGen allele CA2139118.